The following is an entry in ClinVar:

ClinVar aggregate classification (germline): Pathogenic (1 of 4 stars; one submission).

Submission:

Labcorp Genetics (formerly Invitae), Labcorp
Classification: Pathogenic. Last evaluated: 2022-08-28. Review status: criteria provided, single submitter. Criteria: Invitae Variant Classification Sherloc (09022015). Collection method: clinical testing. Allele origin: germline.
Comment: This sequence change creates a premature translational stop signal (p.Arg1148*) in the ZNF469 gene. While this is not anticipated to result in nonsense mediated decay, it is expected to disrupt the last 2778 amino acid(s) of the ZNF469 protein. This variant is not present in population databases (gnomAD no frequency). This variant has not been reported in the literature in individuals affected with ZNF469-related conditions. This variant disrupts a region of the ZNF469 protein in which other variant(s) (p.Arg3414Glyfs*59) have been determined to be pathogenic (PMID: 32671420). This suggests that this is a clinically significant region of the protein, and that variants that disrupt it are likely to be disease-causing. For these reasons, this variant has been classified as Pathogenic.

Literature cited by the submitters: PubMed 32671420.

NM_001367624.2(ZNF469):c.3526C>T (p.Arg1176Ter)

Gene: ZNF469 (zinc finger protein 469; plus strand). Cytogenetic location: 16q24.2.
Variant type: single nucleotide variant.
Coding change: c.3526C>T on transcript NM_001367624.2 (MANE Select); coding-DNA position 3526, C replaced by T.
Protein change: p.Arg1176Ter; replaces arginine 1176 with a stop codon.
Molecular consequence: nonsense.
Genome position (GRCh38, 1-based): chr16:88,430,996, C>T. VCF-style: chr16-88430996-C-T. GRCh37 (hg19) VCF-style: chr16-88497404-C-T.
Other names: short protein forms R1176*.
Identifiers: ClinVar variation 2027646 (VCV002027646.4), dbSNP rs1906134276, ClinGen allele CA397084860.